The following is an entry in ClinVar:

NM_024675.4(PALB2):c.3296dup (p.Thr1100fs)

Gene: PALB2 (partner and localizer of BRCA2; minus strand). Cytogenetic location: 16p12.2.
Variant type: Duplication.
Coding change: c.3296dup on transcript NM_024675.4 (MANE Select); coding-DNA position 3296, one base duplicated (C; older notation c.3296dupC).
Protein change: p.Thr1100fs; shifts the reading frame from threonine 1100.
Molecular consequence: frameshift variant. On other transcripts: intron variant (8).
Genome position (GRCh38, 1-based): chr16:23,607,918, G duplicated on the plus strand (C on the coding strand, the reverse complement: PALB2 is on the minus strand). VCF-style (leftmost placement, unchanged base first): chr16-23607917-C-CG. GRCh37 (hg19) VCF-style: chr16-23619238-C-CG.
Other names: c.3236dup, p.Thr1080fs (NM_001407296.1); c.3224dup, p.Thr1076fs (NM_001407297.1); c.3134dup, p.Thr1046fs (NM_001407298.1); c.3017dup, p.Thr1007fs (NM_001407300.1); c.2411dup, p.Thr805fs (NM_001407304.1, NM_001407305.1, NM_001407306.1); c.2249dup, p.Thr751fs (NM_001407307.1); c.1508dup, p.Thr504fs (NM_001407312.1); c.830dup, p.Thr278fs (NM_001407314.1); and 6 more; short protein forms T1007fs, T1046fs, T1076fs, T1080fs, T1100fs, T278fs, T504fs, T751fs.
Identifiers: ClinVar variation 2674187 (VCV002674187.1), dbSNP rs2506215545, ClinGen allele CA2695197588.
Genomic context (GRCh38, chr16:23,607,917, plus strand): 5'-CACTTGCCTGCCAGCCTGCCCTGGAGGAAGACAGTACAGCATCACACCCACGCTGAGAGT[C>CG]GTCTTAGGGTTAATCACAATGAGCTGAAACACAGGGCTTCGCAACGACTCACTCTCTTTG-3'

ClinVar aggregate classification (germline): Pathogenic (1 of 4 stars; one submission).

Conditions:
Familial cancer of breast. Also called: Hereditary breast cancer; BREAST CANCER, FAMILIAL; hereditary breast carcinoma. Identifiers: Orphanet 227535, MedGen C0346153, MONDO:0016419, OMIM 114480. Disease mechanism: loss of function.

Submission:

Myriad Genetics, Inc.
Classification: Pathogenic for Familial cancer of breast. Last evaluated: 2023-08-18. Review status: criteria provided, single submitter. Criteria: Myriad Autosomal Dominant, Autosomal Recessive and X-Linked Classification Criteria (2023). Collection method: clinical testing. Allele origin: unknown.
Comment: This variant is considered pathogenic. This variant creates a frameshift predicted to result in premature protein truncation.